The following is an entry in ClinVar:

ClinVar aggregate classification (germline): Uncertain significance (1 of 4 stars; one submission).

Conditions:
Neurodevelopmental disorder with microcephaly, short stature, and speech delay (NEDMISS). Identifiers: MedGen C5774211, MONDO:0859285, OMIM 620027.

Submission:

Neuberg Centre For Genomic Medicine, NCGM
Classification: Uncertain significance for Neurodevelopmental disorder with microcephaly, short stature, and speech delay. Review status: criteria provided, single submitter. Criteria: ACMG Guidelines, 2015. Collection method: clinical testing. Allele origin: germline. Inheritance: Autosomal recessive inheritance. Affected: yes.
Comment: The missense variant c.14A>G (p.Glu5Gly) in TRAPPC10 gene has not been reported previously as a pathogenic variant nor as a benign variant, to our knowledge. The p.Glu5Gly variant is novel (not in any individuals) in gnomAD Exomes and 1000 Genomes. This variant has not been reported to the ClinVar database. The amino acid Glu at position 5 is changed to a Gly changing protein sequence and it might alter its composition and physico-chemical properties. The amino acid change p.Glu5Gly in TRAPPC10 is predicted as conserved by GERP++ and PhyloP across 100 vertebrates. For these reasons, this variant has been classified as Uncertain Significance (VUS).

NM_003274.5(TRAPPC10):c.14A>G (p.Glu5Gly)

Genes: TRAPPC10 (trafficking protein particle complex subunit 10; plus strand), LOC130066806 (ATAC-STARR-seq lymphoblastoid silent region 13377; plus strand). Cytogenetic location: 21q22.3.
Variant type: single nucleotide variant.
Coding change: c.14A>G on transcript NM_003274.5 (MANE Select); coding-DNA position 14, A replaced by G.
Protein change: p.Glu5Gly; replaces glutamic acid 5 with glycine.
Molecular consequence: missense variant.
Genome position (GRCh38, 1-based): chr21:44,012,507, A>G. VCF-style: chr21-44012507-A-G. GRCh37 (hg19) VCF-style: chr21-45432388-A-G.
Other names: short protein forms E5G.
Identifiers: ClinVar variation 2584839 (VCV002584839.1), dbSNP rs1051415355, ClinGen allele CA410413011.